The following is an entry in ClinVar:

NM_003383.5(VLDLR):c.2448C>T (p.Tyr816=)

Gene: VLDLR (very low density lipoprotein receptor; plus strand). Cytogenetic location: 9p24.2.
Variant type: single nucleotide variant.
Coding change: c.2448C>T on transcript NM_003383.5 (MANE Select); coding-DNA position 2448, C replaced by T.
Protein change: p.Tyr816=; no amino-acid change (tyrosine 816 retained).
Molecular consequence: synonymous variant.
Genome position (GRCh38, 1-based): chr9:2,652,811, C>T. VCF-style: chr9-2652811-C-T. GRCh37 (hg19) VCF-style: chr9-2652811-C-T.
Other names: c.2364C>T, p.Tyr788= (NM_001018056.3); c.2325C>T, p.Tyr775= (NM_001322225.2); c.2241C>T, p.Tyr747= (NM_001322226.2).
Identifiers: ClinVar variation 2659037 (VCV002659037.24), dbSNP rs2488748902, ClinGen allele CA463714017.

ClinVar aggregate classification (germline): Likely benign (1 of 4 stars; one submission).

Submission:

CeGaT Center for Human Genetics Tuebingen
Classification: Likely benign. Last evaluated: 2022-06-01. Review status: criteria provided, single submitter. Criteria: CeGaT Center For Human Genetics Tuebingen Variant Classification Criteria Version 2. Collection method: clinical testing. Allele origin: germline. Affected: yes. Observed: 1 variant allele.
Comment: VLDLR: PM2:Supporting, BP4, BP7